The following is an entry in ClinVar:

NM_001242896.3(DEPDC5):c.2591C>T (p.Thr864Met)

Gene: DEPDC5 (DEP domain containing 5, GATOR1 subcomplex subunit; plus strand). Cytogenetic location: 22q12.3.
Variant type: single nucleotide variant.
Coding change: c.2591C>T on transcript NM_001242896.3 (MANE Select); coding-DNA position 2591, C replaced by T.
Protein change: p.Thr864Met; replaces threonine 864 with methionine.
Molecular consequence: missense variant. On other transcripts: non-coding transcript variant (5).
Genome position (GRCh38, 1-based): chr22:31,843,170, C>T. VCF-style: chr22-31843170-C-T. GRCh37 (hg19) VCF-style: chr22-32239156-C-T.
Other names: c.2564C>T, p.Thr855Met (NM_001136029.4, NM_001369903.1, NM_014662.6); c.2357C>T, p.Thr786Met (NM_001242897.2, NM_001363854.2, NM_001364319.2); c.2591C>T, p.Thr864Met (NM_001363852.2, NM_001364318.2, NM_001364320.2); c.2507C>T, p.Thr836Met (NM_001369901.1, NM_001369902.1); short protein forms T864M, T786M, T855M, T836M.
Identifiers: ClinVar variation 180645 (VCV000180645.25), dbSNP rs564667614, ClinGen allele CA10196757.
Genomic context (GRCh38, chr22:31,843,170, plus strand): 5'-ACCGCCCTGAGGAGGAGGACCAGTATTGGCTGAGTATGGGCAGAACGTTCCACAAAGTGA[C>T]GCTGAAGGATAAGATGATCACAGTGACGCGATACCTTCCCAAGTGAGTATTTGGATATTT-3'
Protein context (NP_001229825.1, residues 854-874): LSMGRTFHKV[Thr864Met]LKDKMITVTR

ClinVar aggregate classification (germline): Conflicting classifications of pathogenicity. Review status: criteria provided, conflicting classifications (1 of 4 stars). 7 submissions from 7 submitters: Uncertain significance (3); Likely benign (2). 2 of the submissions do not count toward it. Last evaluated 2026-01-04.

Conditions:
Inborn genetic diseases. Identifiers: MedGen C0950123, MeSH D030342.
Familial sleep-related hypermotor epilepsy. Also called: Autosomal Dominant Sleep-Related Hypermotor (Hyperkinetic) Epilepsy. Identifiers: Orphanet 98784, MedGen C3696898, MONDO:0000030.
Familial focal epilepsy with variable foci (FPEVF). Identifiers: Orphanet 98820, MedGen C1858477, MONDO:0020310.
Epilepsy, familial focal, with variable foci 1 (FFEVF1). Also called: DEPDC5-Related Epilepsy. Identifiers: MedGen C4551983, MONDO:0024556, OMIM 604364.

Allele frequency attached by ClinVar (database versions not stated): ExAC 0.00007; gnomAD exomes 0.00006 and 0.00010; 1000 Genomes Project 0.00020; gnomAD 0.00013 and 0.00014; TOPMed 0.00026; 1000 Genomes Project 30x 0.00031.
gnomAD v4.1: 108 of 1,614,112 alleles (0.0067%); highest among the groups gnomAD compares: Admixed American, 0.06%; no homozygotes.

Submissions (7):

Labcorp Genetics (formerly Invitae), Labcorp
Classification: Uncertain significance for Familial focal epilepsy with variable foci. Last evaluated: 2026-01-04. Review status: criteria provided, single submitter. Criteria: Invitae Variant Classification Sherloc (09022015). Collection method: clinical testing. Allele origin: germline.
Comment: This sequence change replaces threonine, which is neutral and polar, with methionine, which is neutral and non-polar, at codon 864 of the DEPDC5 protein (p.Thr864Met). This variant is present in population databases (rs564667614, gnomAD 0.04%). This missense change has been observed in individual(s) with epilepsy (PMID: 24283814, 28717674). ClinVar contains an entry for this variant (Variation ID: 180645). Algorithms developed to predict the effect of variants on gene product structure and function are not available or were not evaluated for this variant. Experimental studies have shown that this missense change does not substantially affect DEPDC5 function (PMID: 25366275). In summary, the available evidence is currently insufficient to determine the role of this variant in disease. Therefore, it has been classified as a Variant of Uncertain Significance.

Blueprint Genetics
Classification: Likely benign. Last evaluated: 2024-03-19. Review status: criteria provided, single submitter. Criteria: ACMG Guidelines, 2015. Collection method: clinical testing. Allele origin: germline.

Revvity Omics, Revvity
Classification: Uncertain significance. Last evaluated: 2021-01-22. Review status: criteria provided, single submitter. Criteria: ACMG Guidelines, 2015. Collection method: clinical testing. Allele origin: germline.

GeneDx
Classification: Likely benign. Last evaluated: 2019-12-16. Review status: criteria provided, single submitter. Criteria: GeneDx Variant Classification Process June 2021. Collection method: clinical testing. Allele origin: germline. Affected: yes.
Comment: This variant is associated with the following publications: (PMID: 30093711, 28717674, 24283814, 25366275)

Ambry Genetics
Classification: Uncertain significance for Inborn genetic diseases. Last evaluated: 2017-05-11. Review status: criteria provided, single submitter. Criteria: Ambry Variant Classification Scheme 2023. Collection method: clinical testing. Allele origin: germline.
Comment: The p.T864M variant (also known as c.2591C>T), located in coding exon 27 of the DEPDC5 gene, results from a C to T substitution at nucleotide position 2591. The threonine at codon 864 is replaced by methionine, an amino acid with similar properties. This variant was identified in an individual with temporal lobe epilepsy (Martin C et al. Clin. Genet., 2014 Dec;86:570-4). Functional studies on this alteration indicate no significant impact on protein function (van Kranenburg M et al. Hum. Mutat., 2015 Feb;36:200-9). This amino acid position is well conserved through mammals but not in all available vertebrate species. In addition, this alteration is predicted to be tolerated by in silico analysis. Since supporting evidence for this variant is conflicting at this time, the clinical significance remains unclear.

GeneReviews
No classification provided. Condition: Epilepsy, familial focal, with variable foci 1. Review status: no classification provided. Collection method: literature only. Allele origin: germline. Affected: yes. Not counted in ClinVar's aggregate classification.

OMIM
Classification: Pathogenic for EPILEPSY, FAMILIAL FOCAL, WITH VARIABLE FOCI 1. Last evaluated: 2014-12-01. Review status: flagged submission. Collection method: literature only. Allele origin: germline. Not counted in ClinVar's aggregate classification.
ClinVar note: Reason: Older and outlier claim with insufficient supporting evidence

Literature cited by the submitters: PubMed 24283814 (cited by 3 submitters); PubMed 28717674 (cited by Labcorp Genetics (formerly Invitae), Labcorp); PubMed 25366275 (cited by Labcorp Genetics (formerly Invitae), Labcorp and Ambry Genetics); NCBI Bookshelf NBK385626 (cited by GeneReviews); Martin, C., Meloche, C., Rioux, M.-F., Nguyen, D. K., Carmant, L., Andermann, E., Gravel, M., Cossette, P. A recurrent mutation in DEPDC5 predisposes to focal epilepsies in the French-Canadian population. Clin. Genet. 86: 570-574, 2014. (cited by OMIM).